The following is an entry in ClinVar:

ClinVar aggregate classification (germline): not provided (0 of 4 stars; one submission).

Submission:

ClinVar Staff, National Center for Biotechnology Information (NCBI)
No classification provided. Review status: no classification provided. Collection method: not provided. Allele origin: unknown.
Comment: Based on information supplied by Graeme Grimes.

NM_000278.3(PAX2):c.44_46delCAG

Gene: PAX2 (paired box 2; plus strand). Cytogenetic location: 10q24.31.
Variant type: Microsatellite.
Coding change: c.44_46delCAG on transcript NM_000278.3; coding-DNA positions 44 to 46, 3 bases deleted (CAG).
Genome position (GRCh38, 1-based): chr10:100,749,746-100,749,748, CAG deleted; deleting any 3 consecutive bases within chr10:100,749,743-100,749,748 gives the same sequence; the c. name uses the placement nearest the transcript's 3' end. VCF-style (leftmost placement, unchanged base first): chr10-100749742-CCAG-C. GRCh37 (hg19) VCF-style: chr10-102509499-CCAG-C.
Identifiers: ClinVar variation 156292 (VCV000156292.3), ClinGen allele CA233163.